The following is an entry in ClinVar:

NM_198578.4(LRRK2):c.636A>C (p.Leu212Phe)

Gene: LRRK2 (leucine rich repeat kinase 2; plus strand). Cytogenetic location: 12q12.
Variant type: single nucleotide variant.
Coding change: c.636A>C on transcript NM_198578.4 (MANE Select); coding-DNA position 636, A replaced by C.
Protein change: p.Leu212Phe; replaces leucine 212 with phenylalanine.
Molecular consequence: missense variant.
Genome position (GRCh38, 1-based): chr12:40,240,547, A>C. VCF-style: chr12-40240547-A-C. GRCh37 (hg19) VCF-style: chr12-40634349-A-C.
Other names: short protein forms L212F.
Identifiers: ClinVar variation 1753088 (VCV001753088.2), dbSNP rs2499436317, ClinGen allele CA384404743.

ClinVar aggregate classification (germline): Uncertain significance (1 of 4 stars; one submission).

Conditions:
Inborn genetic diseases. Identifiers: MedGen C0950123, MeSH D030342.

Submission:

Ambry Genetics
Classification: Uncertain significance for Inborn genetic diseases. Last evaluated: 2022-08-30. Review status: criteria provided, single submitter. Criteria: Ambry Variant Classification Scheme 2023. Collection method: clinical testing. Allele origin: germline.
Comment: The p.L212F variant (also known as c.636A>C), located in coding exon 6 of the LRRK2 gene, results from an A to C substitution at nucleotide position 636. The leucine at codon 212 is replaced by phenylalanine, an amino acid with highly similar properties. This amino acid position is conserved. In addition, this alteration is predicted to be tolerated by in silico analysis. Since supporting evidence is limited at this time, the clinical significance of this alteration remains unclear.